The following is an entry in ClinVar:

NM_182914.3(SYNE2):c.14178G>T (p.Arg4726Ser)

Gene: SYNE2 (spectrin repeat containing nuclear envelope protein 2; plus strand). Cytogenetic location: 14q23.2.
Variant type: single nucleotide variant.
Coding change: c.14178G>T on transcript NM_182914.3 (MANE Select); coding-DNA position 14178, G replaced by T.
Protein change: p.Arg4726Ser; replaces arginine 4726 with serine.
Molecular consequence: missense variant.
Genome position (GRCh38, 1-based): chr14:64,130,086, G>T. VCF-style: chr14-64130086-G-T. GRCh37 (hg19) VCF-style: chr14-64596804-G-T.
Other names: c.14178G>T, p.Arg4726Ser (NM_015180.6); short protein forms R4726S.
Identifiers: ClinVar variation 2905899 (VCV002905899.3), dbSNP rs1258067679, ClinGen allele CA389979214.

ClinVar aggregate classification (germline): Uncertain significance (1 of 4 stars; one submission).

Conditions:
Emery-Dreifuss muscular dystrophy 5, autosomal dominant (EDMD5). Also called: EMERY-DREIFUSS MUSCULAR DYSTROPHY 5. Identifiers: Orphanet 261, MedGen C2751805, MONDO:0013072, OMIM 612999.

Allele frequency attached by ClinVar (database versions not stated): gnomAD exomes 0.00001.
gnomAD v4.1: 12 of 1,614,058 alleles (0.00074%); highest among the groups gnomAD compares: Non-Finnish European, 0.00085%; no homozygotes.

Submission:

Labcorp Genetics (formerly Invitae), Labcorp
Classification: Uncertain significance for Emery-Dreifuss muscular dystrophy 5, autosomal dominant. Last evaluated: 2023-12-02. Review status: criteria provided, single submitter. Criteria: Invitae Variant Classification Sherloc (09022015). Collection method: clinical testing. Allele origin: germline.
Comment: This sequence change replaces arginine, which is basic and polar, with serine, which is neutral and polar, at codon 4726 of the SYNE2 protein (p.Arg4726Ser). This variant is present in population databases (no rsID available, gnomAD no frequency). This variant has not been reported in the literature in individuals affected with SYNE2-related conditions. An algorithm developed to predict the effect of missense changes on protein structure and function (PolyPhen-2) suggests that this variant is likely to be disruptive. In summary, the available evidence is currently insufficient to determine the role of this variant in disease. Therefore, it has been classified as a Variant of Uncertain Significance.